The following is an entry in ClinVar:

NM_006206.6(PDGFRA):c.2662A>G (p.Ile888Val)

Gene: PDGFRA (platelet derived growth factor receptor alpha; plus strand). Cytogenetic location: 4q12.
Variant type: single nucleotide variant.
Coding change: c.2662A>G on transcript NM_006206.6 (MANE Select); coding-DNA position 2662, A replaced by G.
Protein change: p.Ile888Val; replaces isoleucine 888 with valine.
Molecular consequence: missense variant.
Genome position (GRCh38, 1-based): chr4:54,287,529, A>G. VCF-style: chr4-54287529-A-G. GRCh37 (hg19) VCF-style: chr4-55153696-A-G.
Other names: c.2737A>G, p.Ile913Val (NM_001347828.2); c.2662A>G, p.Ile888Val (NM_001347829.2); c.2701A>G, p.Ile901Val (NM_001347830.2); short protein forms I901V, I913V, I888V.
Identifiers: ClinVar variation 3661336 (VCV003661336.2).

ClinVar aggregate classification (germline): Uncertain significance (1 of 4 stars; one submission).

Conditions:
Gastrointestinal stromal tumor. Also called: Gastrointestinal stromal tumor, somatic; Gastrointestinal stroma tumor. Identifiers: Orphanet 44890, MedGen C0238198, MeSH D046152, MONDO:0011719, OMIM 606764, HP:0100723.

Submission:

Labcorp Genetics (formerly Invitae), Labcorp
Classification: Uncertain significance for Gastrointestinal stromal tumor. Last evaluated: 2024-08-04. Review status: criteria provided, single submitter. Criteria: Invitae Variant Classification Sherloc (09022015). Collection method: clinical testing. Allele origin: germline.
Comment: This sequence change replaces isoleucine, which is neutral and non-polar, with valine, which is neutral and non-polar, at codon 888 of the PDGFRA protein (p.Ile888Val). This variant is not present in population databases (gnomAD no frequency). This variant has not been reported in the literature in individuals affected with PDGFRA-related conditions. Advanced modeling of protein sequence and biophysical properties (such as structural, functional, and spatial information, amino acid conservation, physicochemical variation, residue mobility, and thermodynamic stability) has been performed at Invitae for this missense variant, however the output from this modeling did not meet the statistical confidence thresholds required to predict the impact of this variant on PDGFRA protein function. In summary, the available evidence is currently insufficient to determine the role of this variant in disease. Therefore, it has been classified as a Variant of Uncertain Significance.